The following is an entry in ClinVar:

ClinVar aggregate classification (germline): Pathogenic (0 of 4 stars; one submission).

Submission:

Quest Diagnostics Nichols Institute San Juan Capistrano
Classification: Pathogenic. Last evaluated: 2021-05-01. Review status: no assertion criteria provided. Collection method: clinical testing. Allele origin: germline.
Comment: This imbalance is expected to cause phenotypic and/or developmental abnormalities. It overlaps the chromosome 6q11-q14 deletion syndrome region (OMIM 613544) and involves 83 RefSeq genes including multiple that are associated with autosomal dominant and autosomal recessive OMIM disorders. Similar deletions have been identified in individuals with mild to severe intellectual disability, mild facial dysmorphism, renal problems and hypermobility, hernias, foot deformities, and hearing loss in some cases. Feeding difficulties at birth were also common. RIMS1, KCNQ5, HTR1B, and PHIP, all of which are encompassed in the current deletion interval, are considered candidate genes for developmental delay and autism. Deletion of COL12A1 is likely responsible for connective tissue phenotypes, and deletion of MYO6 may cause deafness (Engwerda et al., Eur J Hum Genet. 2018 Oct;26(10):1478-1489. PMID: 29904178). Further, there are no full copy number losses of this region in the general populations of the Database of Genomic Variants (DGV).

GRCh37/hg19 6q13-14.1(chr6:70165296-79920769)x1

Genes: CD109 (CD109 molecule; plus strand), B3GAT2 (beta-1,3-glucuronyltransferase 2; minus strand), CGAS (cyclic GMP-AMP synthase; minus strand), COL12A1 (collagen type XII alpha 1 chain; minus strand), COL19A1 (collagen type XIX alpha 1 chain; plus strand) and 28 more. Cytogenetic location: 6q13-14.1.
Variant type: copy number loss.
Change: copy number 1 (one copy instead of two) of chr6:70,165,296-79,920,769 (9.76 Mb, GRCh37 coordinates, 1-based), cytogenetic band 6q13-14.1.
Identifiers: ClinVar variation 1340605 (VCV001340605.1).